The following is an entry in ClinVar:

NM_002458.3(MUC5B):c.442G>A (p.Val148Ile)

Gene: MUC5B (mucin 5B, oligomeric mucus/gel-forming; plus strand). Cytogenetic location: 11p15.5.
Variant type: single nucleotide variant.
Coding change: c.442G>A on transcript NM_002458.3 (MANE Select); coding-DNA position 442, G replaced by A.
Protein change: p.Val148Ile; replaces valine 148 with isoleucine.
Molecular consequence: missense variant.
Genome position (GRCh38, 1-based): chr11:1,226,857, G>A. VCF-style: chr11-1226857-G-A. GRCh37 (hg19) VCF-style: chr11-1248087-G-A.
Other names: short protein forms V148I.
Identifiers: ClinVar variation 163993 (VCV000163993.18), dbSNP rs56293203, ClinGen allele CA176751.

ClinVar aggregate classification (germline): Benign. Review status: criteria provided, multiple submitters, no conflicts (2 of 4 stars). 3 submissions from 3 submitters: Benign (3). Last evaluated 2025-05-01.

Allele frequency attached by ClinVar (database versions not stated): 1000 Genomes Project 30x 0.00468; 1000 Genomes Project 0.00499; TOPMed 0.00687; ESP Exome Variant Server 0.00727; gnomAD 0.00833 and 0.00861; gnomAD exomes 0.00924; ExAC 0.01015.
gnomAD v4.1: 15,719 of 1,607,016 alleles (0.98%); highest among the groups gnomAD compares: Middle Eastern, 2.4%; 99 homozygotes.

Submissions (3):

CeGaT Center for Human Genetics Tuebingen
Classification: Benign. Last evaluated: 2025-05-01. Review status: criteria provided, single submitter. Criteria: CeGaT Center For Human Genetics Tuebingen Variant Classification Criteria Version 2. Collection method: clinical testing. Allele origin: germline. Affected: yes. Observed: 2 variant alleles.
Comment: MUC5B: BP4, BS1, BS2

Laboratory for Molecular Medicine, Mass General Brigham Personalized Medicine
Classification: Benign. Last evaluated: 2015-05-11. Review status: criteria provided, single submitter. Criteria: LMM Criteria. Collection method: clinical testing. Allele origin: germline. Observed: 7 variant alleles.
Comment: p.Val148Ile in exon 4 of MUC5B: This variant is not expected to have clinical si gnificance because it has been identified in 1.2% (795/61246) of European chromo somes, including 6 homozygotes, by the Exome Aggregation Consortium (ExAC; dbSNP rs56293203).

Breakthrough Genomics
Classification: Benign. Review status: criteria provided, single submitter. Criteria: ACMG Guidelines, 2015. Collection method: not provided. Allele origin: germline. Inheritance: Autosomal dominant inheritance. Affected: yes.